The following continues an entry in ClinVar:

NM_000350.3(ABCA4):c.6089G>A (p.Arg2030Gln)

Gene: ABCA4. ClinVar aggregate classification (germline): Pathogenic. Pathogenic (1).

Submissions 12 to 25 of 25:

GeneDx
Classification: Pathogenic. Last evaluated: 2022-05-04. Review status: criteria provided, single submitter. Criteria: GeneDx Variant Classification Process June 2021. Collection method: clinical testing. Allele origin: germline. Affected: yes. Not counted in ClinVar's aggregate classification.
Comment: Published functional studies demonstrate a mild damaging effect (PMID: 32845050); In silico analysis supports that this missense variant has a deleterious effect on protein structure/function; This variant is associated with the following publications: (PMID: 27491360, 11527935, 18854780, 28559085, 30798147, 32531858, 34647987, 29925512, 25283059, 9973280, 11379881, 27596865, 27820952, 28044389, 28118664, 24713488, 24265693, 26103963, 29555955, 23891399, 30718709, 30215852, 31456290, 31589614, 32619608, 34327195, 34426522, 32815999, 33851411, 32467599, 35119454, 32845050)

Victorian Clinical Genetics Services, Murdoch Childrens Research Institute
Classification: Pathogenic for Severe early-childhood-onset retinal dystrophy. Last evaluated: 2021-05-06. Review status: criteria provided, single submitter. Criteria: ACMG Guidelines, 2015. Collection method: clinical testing. Allele origin: germline. Inheritance: Autosomal recessive inheritance. Affected: yes. Not counted in ClinVar's aggregate classification.
Comment: Based on the classification scheme VCGS_Germline_v1.3.4, this variant is classified as pathogenic. The following criteria are met: 0102 - Loss of function is a known mechanism of disease in this gene and is associated with Stargardt disease (MIM #248200), fundus flavimaculatus (MIM #248200), early-onset severe retinal dystrophy (MIM #248200) and retinitis pigmentosa 19 (MIM #601718). (I) 0106 - This gene is associated with autosomal recessive disease. (I) 0115 - Variants in this gene are known to have variable expressivity (PMID: 31522899). (I) 0200 - Variant is predicted to result in a missense amino acid change from arginine to glutamine. (I) 0251 - This variant is heterozygous. (I) 0304 - Variant is present in gnomAD <0.01 for a recessive condition (v3) (72 heterozygotes, 1 homozygote). (SP) 0501 - Missense variant consistently predicted to be damaging by multiple in silico tools or highly conserved with a major amino acid change. (SP) 0600 - Variant is located in the annotated ABC transporter 2 domain (Pfam). (I) 0705 - No comparable missense variants have previous evidence for pathogenicity. (I) 0801 - This variant has strong previous evidence of pathogenicity in unrelated individuals. It has been reported in more than 30 patients with Stargardt disease or ABCA4-related eye disease in the literature where a 2nd disease-causing variant was identified in trans (PMIDs: 30718709; 30670881; 29925512; 28044389; 23953153; 23499370; 18854780; 11379881). (SP) Legend: (SP) - Supporting pathogenic, (I) - Information, (SB) - Supporting benign

Centre for Mendelian Genomics, University Medical Centre Ljubljana
Classification: Pathogenic for Age related macular degeneration 2. Last evaluated: 2018-11-23. Review status: criteria provided, single submitter. Criteria: ACMG Guidelines, 2015. Collection method: clinical testing. Allele origin: unknown. Affected: yes. Not counted in ClinVar's aggregate classification.
Comment: This variant was classified as: Pathogenic. The following ACMG criteria were applied in classifying this variant: PM1,PP2,PP3,PP5.

ARUP Laboratories, Molecular Genetics and Genomics, ARUP Laboratories
Classification: Likely pathogenic. Last evaluated: 2017-06-02. Review status: criteria provided, single submitter. Criteria: ARUP Molecular Germline Variant Investigation Process. Collection method: clinical testing. Allele origin: germline. Not counted in ClinVar's aggregate classification.
Comment: The ABCA4 c.6089G>A;p.Arg2030Gln variant has been published in several individuals with Stargardt disease and other ABVA4-related disorders (Bertelsen 2014, Cideciyan 2005, Duncker 2015, Jaakson 2003, Lewis 1999, Webster 2001, Zhang 2015). However, the variant has also been published on the same allele as another pathogenic variant, p.Met1Val (Eisenberger 2013, Maia-Lopes 2009). The variant is listed in the ClinVar database (Variation ID: 99428) and the dbSNP variant database (rs61750641) with an allele frequency of 0.0615 percent (8/12998 alleles) in the Exome Variant Server and 0.03609 percent (100/277108 alleles) in the Genome Aggregation Database. The amino acid at this position is highly conserved across species, occurs in a transporter domain, and computational algorithms (PolyPhen2, SIFT) predict this variant is deleterious. Considering available information, this variant is classified as likely pathogenic. This variant would be causative for autosomal recessive Stargardt disease and other ABCA4-related disorders (OMIM#601691). References: Bertelsen M et al. Generalized choriocapillaris dystrophy, a distinct phenotype in the spectrum of ABCA4-associated retinopathies. Invest Ophthalmol Vis Sci. 2014 Apr 29;55(4):2766-76. Cideciyan AV et al. ABCA4-associated retinal degenerations spare structure and function of the human parapapillary retina. Invest Ophthalmol Vis Sci. 2005 Dec;46(12):4739-46. Duncker T et al. Quantitative fundus autofluorescence distinguishes ABCA4-associated and non-ABCA4-associated bull's-eye maculopathy. Ophthalmology. 2015 Feb;122(2):345-55. Eisenberger T et al. Increasing the yield in targeted next-generation sequencing by implicating CNV analysis, non-coding exons and the overall variant load: the example of retinal dystrophies. PLoS One. 2013 Nov 12;8(11):e78496. Jaakson K et al Genotyping microarray (gene chip) for the ABCR (ABCA4) gene. Hum Mutat. 2003 Nov;22(5):395-403. Lewis RA et al. Genotype/Phenotype analysis of a photoreceptor-specific ATP-binding cassette transporter gene, ABCR, in Stargardt disease. Am J Hum Genet. 1999 Feb;64(2):422-34. Maia-Lopes S et al. ABCA4 mutations in Portuguese Stargardt patients: identification of new mutations and their phenotypic analysis. Mol Vis. 2009;15:584-91. Webster AR et al. An analysis of allelic variation in the ABCA4 gene. Invest Ophthalmol Vis Sci. 2001 May;42(6):1179-89. Zhang Q et al. Next-generation sequencing-based molecular diagnosis of 35 Hispanic retinitis pigmentosa probands. Sci Rep. 2016 Sep 6;6:32792.

Eurofins Ntd Llc (ga)
Classification: Pathogenic. Last evaluated: 2016-08-10. Review status: criteria provided, single submitter. Criteria: EGL Classification Definitions 2015. Collection method: clinical testing. Allele origin: germline. Observed: 5 variant alleles, 5 heterozygotes. Not counted in ClinVar's aggregate classification.

Institute of Human Genetics, Univ. Regensburg, Univ. Regensburg
Classification: Likely pathogenic for Severe early-childhood-onset retinal dystrophy. Last evaluated: 2016-01-01. Review status: criteria provided, single submitter. Criteria: Schulz et al. (Invest Ophthalmol Vis Sci. 2017). Collection method: clinical testing. Allele origin: germline. Affected: yes. Observed: 3 heterozygotes. Not counted in ClinVar's aggregate classification.

Clinical Genetics Service, Universitary Hospital 12 de Octubre
Classification: Pathogenic for Severe early-childhood-onset retinal dystrophy. Review status: criteria provided, single submitter. Criteria: ACMG Guidelines, 2015. Collection method: clinical testing. Allele origin: germline. Affected: yes. Not counted in ClinVar's aggregate classification.

Department of Clinical Genetics, Copenhagen University Hospital, Rigshospitalet
Classification: Pathogenic for Vitreoretinopathy. Last evaluated: 2018-04-01. Review status: no assertion criteria provided. Collection method: research. Allele origin: unknown. Affected: yes. Study: VeluxRD. Not counted in ClinVar's aggregate classification.

Department of Clinical Genetics, Copenhagen University Hospital, Rigshospitalet
Classification: Pathogenic for Macular dystrophy. Last evaluated: 2018-04-01. Review status: no assertion criteria provided. Collection method: research. Allele origin: unknown. Affected: yes. Study: VeluxRD. Not counted in ClinVar's aggregate classification.

Department of Clinical Genetics, Copenhagen University Hospital, Rigshospitalet
Classification: Pathogenic for Progressive cone dystrophy (without rod involvement). Last evaluated: 2018-04-01. Review status: no assertion criteria provided. Collection method: research. Allele origin: unknown. Affected: yes. Study: VeluxRD. Not counted in ClinVar's aggregate classification.

Clinical Genetics DNA and cytogenetics Diagnostics Lab, Erasmus MC, Erasmus Medical Center
Classification: Pathogenic. Review status: no assertion criteria provided. Collection method: clinical testing. Allele origin: germline. Affected: yes. Study: VKGL Data-share Consensus. Not counted in ClinVar's aggregate classification.

Joint Genome Diagnostic Labs from Nijmegen and Maastricht, Radboudumc and MUMC+
Classification: Likely pathogenic. Review status: no assertion criteria provided. Collection method: clinical testing. Allele origin: germline. Affected: yes. Study: VKGL Data-share Consensus. Not counted in ClinVar's aggregate classification.

Ophthalmo-Genetics Lab, Instituto de Oftalmologia Conde de Valenciana
Classification: Pathogenic for Severe early-childhood-onset retinal dystrophy. Review status: no assertion criteria provided. Collection method: research. Allele origin: germline. Inheritance: Autosomal recessive inheritance. Affected: yes. Not counted in ClinVar's aggregate classification.

Retina International
No classification provided. Review status: no classification provided. Collection method: not provided. Allele origin: unknown. Not counted in ClinVar's aggregate classification.

Literature cited by the submitters: PubMed 22229821 (cited by Dasa and Labcorp Genetics (formerly Invitae), Labcorp); PubMed 23143460 (cited by 3 submitters); PubMed 30670881 (cited by Dasa and Victorian Clinical Genetics Services, Murdoch Childrens Research Institute); PubMed 19074458 (cited by Dasa); PubMed 27820952 (cited by Dasa); PubMed 32845050 (cited by Dasa and Institute of Human Genetics, Univ. Regensburg, Univ. Regensburg); PubMed 9973280 (cited by Institute of Human Genetics, Univ. Regensburg, Univ. Regensburg and Eurofins Ntd Llc (ga)); PubMed 24265693 (cited by Institute of Human Genetics, Univ. Regensburg, Univ. Regensburg); PubMed 24713488 (cited by Institute of Human Genetics, Univ. Regensburg, Univ. Regensburg and Eurofins Ntd Llc (ga)); PubMed 25283059 (cited by Institute of Human Genetics, Univ. Regensburg, Univ. Regensburg and Eurofins Ntd Llc (ga)); PubMed 27596865 (cited by Institute of Human Genetics, Univ. Regensburg, Univ. Regensburg); PubMed 28559085 (cited by Institute of Human Genetics, Univ. Regensburg, Univ. Regensburg); PubMed 29555955 (cited by Institute of Human Genetics, Univ. Regensburg, Univ. Regensburg); PubMed 30215852 (cited by Institute of Human Genetics, Univ. Regensburg, Univ. Regensburg); PubMed 31589614 (cited by Institute of Human Genetics, Univ. Regensburg, Univ. Regensburg); PubMed 29925512 (cited by Institute of Human Genetics, Univ. Regensburg, Univ. Regensburg and Victorian Clinical Genetics Services, Murdoch Childrens Research Institute); PubMed 30718709 (cited by 3 submitters); PubMed 30798147 (cited by Institute of Human Genetics, Univ. Regensburg, Univ. Regensburg); PubMed 32619608 (cited by Institute of Human Genetics, Univ. Regensburg, Univ. Regensburg); PubMed 32467599 (cited by Institute of Human Genetics, Univ. Regensburg, Univ. Regensburg); PubMed 31964843 (cited by Institute of Human Genetics, Univ. Regensburg, Univ. Regensburg); PubMed 32307445 (cited by Institute of Human Genetics, Univ. Regensburg, Univ. Regensburg); PubMed 32815999 (cited by Institute of Human Genetics, Univ. Regensburg, Univ. Regensburg); PubMed 31456290 (cited by Institute of Human Genetics, Univ. Regensburg, Univ. Regensburg); PubMed 32531858 (cited by Institute of Human Genetics, Univ. Regensburg, Univ. Regensburg); PubMed 34647987 (cited by Institute of Human Genetics, Univ. Regensburg, Univ. Regensburg); PubMed 34327195 (cited by Institute of Human Genetics, Univ. Regensburg, Univ. Regensburg); PubMed 34426522 (cited by Institute of Human Genetics, Univ. Regensburg, Univ. Regensburg); PubMed 33851411 (cited by Institute of Human Genetics, Univ. Regensburg, Univ. Regensburg); PubMed 35119454 (cited by Institute of Human Genetics, Univ. Regensburg, Univ. Regensburg); PubMed 35260635 (cited by Institute of Human Genetics, Univ. Regensburg, Univ. Regensburg); PubMed 36460718 (cited by Institute of Human Genetics, Univ. Regensburg, Univ. Regensburg); PubMed 35076026 (cited by Institute of Human Genetics, Univ. Regensburg, Univ. Regensburg); PubMed 36672815 (cited by Institute of Human Genetics, Univ. Regensburg, Univ. Regensburg); PubMed 11379881 (cited by Victorian Clinical Genetics Services, Murdoch Childrens Research Institute and Eurofins Ntd Llc (ga)); PubMed 18854780 (cited by Victorian Clinical Genetics Services, Murdoch Childrens Research Institute and Eurofins Ntd Llc (ga)); PubMed 23499370 (cited by Victorian Clinical Genetics Services, Murdoch Childrens Research Institute); PubMed 23953153 (cited by Victorian Clinical Genetics Services, Murdoch Childrens Research Institute); PubMed 28044389 (cited by Victorian Clinical Genetics Services, Murdoch Childrens Research Institute and Ophthalmo-Genetics Lab, Instituto de Oftalmologia Conde de Valenciana); PubMed 31522899 (cited by Victorian Clinical Genetics Services, Murdoch Childrens Research Institute); PubMed 11328725 (cited by Eurofins Ntd Llc (ga)).